The following is an entry in ClinVar:

NM_178859.4(SLC51B):c.199A>G (p.Met67Val)

Genes: RASL12 (RAS like family 12; minus strand), SLC51B (SLC51 subunit beta; plus strand). Cytogenetic location: 15q22.31.
Variant type: single nucleotide variant.
Coding change: c.199A>G on transcript NM_178859.4 (MANE Select); coding-DNA position 199, A replaced by G.
Protein change: p.Met67Val; replaces methionine 67 with valine.
Molecular consequence: missense variant.
Genome position (GRCh38, 1-based): chr15:65,052,976, A>G. VCF-style: chr15-65052976-A-G. GRCh37 (hg19) VCF-style: chr15-65345314-A-G.
Other names: short protein forms M67V.
Identifiers: ClinVar variation 2072948 (VCV002072948.7), dbSNP rs150408669, ClinGen allele CA7613507.
Genomic context (GRCh38, chr15:65,052,976, plus strand): 5'-TGCCCCAACCACTCAGCCCCCCTCATTAACACTGTTCCCTGTCCCCCCAGAAAAGAAAAG[A>G]TGCAGCCACCAGAAAAAGAAACTCCAGAAGTCCTGCATTTGGATGAGGCCAAGGATCACA-3'
Protein context (NP_849190.2, residues 57-77): RSIQASRKEK[Met67Val]QPPEKETPEV

ClinVar aggregate classification (germline): Uncertain significance. Review status: criteria provided, multiple submitters, no conflicts (2 of 4 stars). 3 submissions from 3 submitters: Uncertain significance (2). 1 of the submissions does not count toward it. Last evaluated 2025-12-22.

Conditions:
SLC51B-related disorder. Also called: SLC51B-related condition.

Allele frequency attached by ClinVar (database versions not stated): gnomAD exomes 0.00005; ExAC 0.00011; ESP Exome Variant Server 0.00031; gnomAD 0.00041; TOPMed 0.00046.
gnomAD v4.1: 142 of 1,470,982 alleles (0.0097%); highest among the groups gnomAD compares: African/African-American, 0.17%; no homozygotes.

Submissions (3):

Labcorp Genetics (formerly Invitae), Labcorp
Classification: Uncertain significance. Last evaluated: 2025-12-22. Review status: criteria provided, single submitter. Criteria: Invitae Variant Classification Sherloc (09022015). Collection method: clinical testing. Allele origin: germline.
Comment: This sequence change replaces methionine, which is neutral and non-polar, with valine, which is neutral and non-polar, at codon 67 of the SLC51B protein (p.Met67Val). This variant is present in population databases (rs150408669, gnomAD 0.2%), and has an allele count higher than expected for a pathogenic variant. This variant has not been reported in the literature in individuals affected with SLC51B-related conditions. ClinVar contains an entry for this variant (Variation ID: 2072948). An algorithm developed to predict the effect of missense changes on protein structure and function (PolyPhen-2) suggests that this variant is likely to be tolerated. In summary, the available evidence is currently insufficient to determine the role of this variant in disease. Therefore, it has been classified as a Variant of Uncertain Significance.

Ambry Genetics
Classification: Uncertain significance. Last evaluated: 2022-10-12. Review status: criteria provided, single submitter. Criteria: Ambry Variant Classification Scheme 2023. Collection method: clinical testing. Allele origin: germline.

PreventionGenetics, part of Exact Sciences
Classification: Likely benign for SLC51B-related condition. Last evaluated: 2022-05-10. Review status: no assertion criteria provided. Collection method: clinical testing. Allele origin: germline. Not counted in ClinVar's aggregate classification.
Comment: This variant is classified as likely benign based on ACMG/AMP sequence variant interpretation guidelines (Richards et al. 2015 PMID: 25741868, with internal and published modifications).